The following is an entry in ClinVar:

NM_000138.5(FBN1):c.3337+1dup

Gene: FBN1 (fibrillin 1; minus strand). Cytogenetic location: 15q21.1.
Variant type: Duplication.
Coding change: c.3337+1dup on transcript NM_000138.5 (MANE Select); the canonical splice donor site of the intron after coding-DNA position 3337, one base duplicated (G; older notation c.3337+1dupG).
Molecular consequence: splice donor variant.
Genome position (GRCh38, 1-based): chr15:48,488,112, C duplicated on the plus strand (G on the coding strand, the reverse complement: FBN1 is on the minus strand); the first of 3 consecutive C bases (chr15:48,488,112-48,488,114); duplicating any one gives the same sequence. VCF-style (leftmost placement, unchanged base first): chr15-48488111-A-AC. GRCh37 (hg19) VCF-style: chr15-48780308-A-AC.
Other names: c.3337+1dup (NM_001406716.1).
Identifiers: ClinVar variation 1527855 (VCV001527855.2), dbSNP rs1566909762, ClinGen allele CA2573150836.

ClinVar aggregate classification (germline): Likely pathogenic (1 of 4 stars; one submission).

Conditions:
Geleophysic dysplasia 2 (GPHYSD2). Identifiers: Orphanet 2623, MedGen C3280054, MONDO:0013612, OMIM 614185.
Progeroid and marfanoid aspect-lipodystrophy syndrome. Also called: MARFANOID-PROGEROID-LIPODYSTROPHY SYNDROME; MARFANOID-PROGEROID SYNDROME; MARFAN-PROGEROID-LIPODYSTROPHY SYNDROME; Marfan lipodystrophy syndrome. Identifiers: Orphanet 300382, MedGen C4310796, MONDO:0014831, OMIM 616914.
Marfan syndrome (MFS). Also called: MARFAN SYNDROME, TYPE I; Marfan syndrome type 1; Marfan's syndrome; Marfan syndrome, classic; FBN1-Related Marfan Syndrome. Identifiers: Orphanet 284963, Orphanet 558, MedGen C0024796, MONDO:0007947, OMIM 154700.
Ectopia lentis 1, isolated, autosomal dominant (ECTOL1). Identifiers: Orphanet 1885, MedGen C3541518, MONDO:0007514, OMIM 129600.
Stiff skin syndrome (SSKS). Identifiers: Orphanet 2833, MedGen C1861456, MONDO:0008492, OMIM 184900.
MASS syndrome (OCTD). Also called: MASS PHENOTYPE; OVERLAP CONNECTIVE TISSUE DISEASE. Identifiers: MedGen C1858556, MONDO:0011431, OMIM 604308.
Acromicric dysplasia (ACMICD). Also called: Acromicric skeletal dysplasia. Identifiers: Orphanet 969, MedGen C0265287, MONDO:0007055, OMIM 102370.
Weill-Marchesani syndrome 2, dominant. Also called: Weill-Marchesani Syndrome, Autosomal Dominant; FBN1-Related Weill-Marchesani Syndrome. Identifiers: Orphanet 2084, MedGen C1869115, MONDO:0012013, OMIM 608328.

Submission:

Center for Genomics, Ann and Robert H. Lurie Children's Hospital of Chicago
Classification: Likely pathogenic for Acromicric dysplasia; Ectopia lentis 1, isolated, autosomal dominant; Geleophysic dysplasia 2; MASS syndrome; Progeroid and marfanoid aspect-lipodystrophy syndrome; Marfan syndrome; Stiff skin syndrome; Weill-Marchesani syndrome 2, dominant. Review status: criteria provided, single submitter. Criteria: ACMG Guidelines, 2015. Collection method: clinical testing. Allele origin: germline.
Comment: FBN1 NM_000138.4 intron 26 c.3337+1dup: This variant has not been reported in the literature and is not present in large control databases. Evolutionary conservation and computational predictive tools for this variant are limited or unavailable. This variant is a duplication of 1 nucleotide at the canonical splice site which is predicted to shift the canonical splice site 1 nucleotide position downstream. This is likely to cause the incorporation of 1 additional base into the exonic coding sequences, leading to a frameshift and creation of a premature stop codon downstream, resulting in an absent or abnormal protein. Loss of function variants are a known mechanism of disease for this gene (Dietz 2017 PMID: 20301510). In summary, data on this variant is highly suspicious for disease, but requires further evidence for pathogenicity. Therefore, this variant is classified as likely pathogenic.